The following is an entry in ClinVar:

NM_003749.3(IRS2):c.2487C>T (p.Pro829=)

Gene: IRS2 (insulin receptor substrate 2; minus strand). Cytogenetic location: 13q34.
Variant type: single nucleotide variant.
Coding change: c.2487C>T on transcript NM_003749.3 (MANE Select); coding-DNA position 2487, C replaced by T.
Protein change: p.Pro829=; no amino-acid change (proline 829 retained).
Molecular consequence: synonymous variant.
Genome position (GRCh38, 1-based): chr13:109,783,567, G>A on the plus strand (C>T on the coding strand, the complement: IRS2 is on the minus strand). VCF-style: chr13-109783567-G-A. GRCh37 (hg19) VCF-style: chr13-110435914-G-A.
Identifiers: ClinVar variation 3056733 (VCV003056733.2), dbSNP rs12853546, ClinGen allele CA7046330.

ClinVar aggregate classification (germline): Benign (0 of 4 stars; one submission).

Conditions:
IRS2-related disorder. Also called: IRS2-related condition.

Allele frequency attached by ClinVar (database versions not stated): ESP Exome Variant Server 0.20777; TOPMed 0.22300; 1000 Genomes Project 0.22504; 1000 Genomes Project 30x 0.22720.
gnomAD v4.1: 378,780 of 1,549,162 alleles (24%); highest among the groups gnomAD compares: Middle Eastern, 42%; 47,398 homozygotes.

Submission:

PreventionGenetics, part of Exact Sciences
Classification: Benign for IRS2-related condition. Last evaluated: 2019-10-18. Review status: no assertion criteria provided. Collection method: clinical testing. Allele origin: germline.
Comment: This variant is classified as benign based on ACMG/AMP sequence variant interpretation guidelines (Richards et al. 2015 PMID: 25741868, with internal and published modifications).